The following is an entry in ClinVar:

ClinVar aggregate classification (germline): Conflicting classifications of pathogenicity. Review status: criteria provided, conflicting classifications (1 of 4 stars). 7 submissions from 7 submitters: Uncertain significance (6); Likely benign (1). Last evaluated 2025-11-24.

Conditions:
Classic or attenuated familial adenomatous polyposis. Identifiers: MedGen CN372698, MONDO:0021057.
Hereditary cancer-predisposing syndrome. Also called: Hereditary neoplastic syndrome; Neoplastic Syndromes, Hereditary; Tumor predisposition; Hereditary Cancer Syndrome. Identifiers: Orphanet 140162, MedGen C0027672, MeSH D009386, MONDO:0015356.
Familial adenomatous polyposis 1 (FAP1). Also called: FAMILIAL ADENOMATOUS POLYPOSIS 1, ATTENUATED; POLYPOSIS, ADENOMATOUS INTESTINAL. Identifiers: MedGen C2713442, MONDO:0021056, OMIM 175100. Disease mechanism: loss of function.

Allele frequency attached by ClinVar (database versions not stated): gnomAD exomes below 0.00001 and 0.00001; ExAC 0.00001; gnomAD 0.00001; 1000 Genomes Project 0.00020; 1000 Genomes Project 30x 0.00031.

Submissions (7):

Labcorp Genetics (formerly Invitae), Labcorp
Classification: Uncertain significance for Familial adenomatous polyposis 1. Last evaluated: 2025-11-24. Review status: criteria provided, single submitter. Criteria: Invitae Variant Classification Sherloc (09022015). Collection method: clinical testing. Allele origin: germline.
Comment: This sequence change replaces alanine, which is neutral and non-polar, with glycine, which is neutral and non-polar, at codon 1914 of the APC protein (p.Ala1914Gly). This variant is present in population databases (rs199904481, gnomAD 0.0009%). This variant has not been reported in the literature in individuals affected with APC-related conditions. ClinVar contains an entry for this variant (Variation ID: 246367). Invitae Evidence Modeling of protein sequence and biophysical properties (such as structural, functional, and spatial information, amino acid conservation, physicochemical variation, residue mobility, and thermodynamic stability) indicates that this missense variant is not expected to disrupt APC protein function with a negative predictive value of 95%. In summary, the available evidence is currently insufficient to determine the role of this variant in disease. Therefore, it has been classified as a Variant of Uncertain Significance.

Color Diagnostics, LLC DBA Color Health
Classification: Uncertain significance for Hereditary cancer-predisposing syndrome. Last evaluated: 2025-07-08. Review status: criteria provided, single submitter. Criteria: ACMG Guidelines, 2015. Collection method: clinical testing. Allele origin: germline.
Comment: This missense variant replaces alanine with glycine at codon 1914 of the APC protein. Computational prediction suggests that this variant may not impact protein structure and function. To our knowledge, functional studies have not been reported for this variant. This variant has not been reported in individuals affected with APC-related disorders in the literature. This variant has been identified in 1/250138 chromosomes in the general population by the Genome Aggregation Database (gnomAD). The available evidence is insufficient to determine the role of this variant in disease conclusively. Therefore, this variant is classified as a Variant of Uncertain Significance.

Ambry Genetics
Classification: Likely benign for Hereditary cancer-predisposing syndrome. Last evaluated: 2025-03-28. Review status: criteria provided, single submitter. Criteria: Ambry Variant Classification Scheme 2023. Collection method: clinical testing. Allele origin: germline.

Quest Diagnostics Nichols Institute San Juan Capistrano
Classification: Uncertain significance. Last evaluated: 2024-12-25. Review status: criteria provided, single submitter. Criteria: Quest Diagnostics criteria. Collection method: clinical testing. Allele origin: unknown.
Comment: The APC c.5741C>G (p.Ala1914Gly) variant has been reported in the published literature in an individual with pediatric hepatoblastoma (PMID: 37334553 (2023), 27096257 (2016)). The frequency of this variant in the general population (Genome Aggregation Database) is uninformative in the assessment of its pathogenicity. Analysis of this variant using bioinformatics tools for the prediction of the effect of amino acid changes on protein structure and function yielded predictions that this variant is benign. Based on the available information, we are unable to determine the clinical significance of this variant.

All of Us Research Program, National Institutes of Health
Classification: Uncertain significance for Classic or attenuated familial adenomatous polyposis. Last evaluated: 2024-05-09. Review status: criteria provided, single submitter. Criteria: ACMG Guidelines, 2015. Collection method: clinical testing. Allele origin: germline. Inheritance: Autosomal dominant inheritance. Observed: 5 variant alleles, 5 heterozygotes.
Comment: This missense variant replaces alanine with glycine at codon 1914 of the APC protein. Computational prediction suggests that this variant may not impact protein structure and function (internally defined REVEL score threshold <= 0.5, PMID: 27666373). To our knowledge, functional studies have not been reported for this variant. This variant has not been reported in individuals affected with APC-related disorders in the literature. This variant has been identified in 1/250138 chromosomes in the general population by the Genome Aggregation Database (gnomAD). The available evidence is insufficient to determine the role of this variant in disease conclusively. Therefore, this variant is classified as a Variant of Uncertain Significance.

This study involves interpretation of variants in research participants for the purpose of population health screening. Participant phenotype was not available at the time of variant classification. Additional details can be found in publication PMID: 35346344, PMCID: PMC8962531

Baylor Genetics
Classification: Uncertain significance for Familial adenomatous polyposis 1. Last evaluated: 2023-10-19. Review status: criteria provided, single submitter. Criteria: ACMG Guidelines, 2015. Collection method: clinical testing. Allele origin: unknown.

GeneDx
Classification: Uncertain significance. Last evaluated: 2023-09-25. Review status: criteria provided, single submitter. Criteria: GeneDx Variant Classification Process June 2021. Collection method: clinical testing. Allele origin: germline. Affected: yes.
Comment: Not observed at significant frequency in large population cohorts (gnomAD); In silico analysis supports that this missense variant does not alter protein structure/function; Observed in a child with hepatoblastoma (Louie et al., 2016); This variant is associated with the following publications: (PMID: 37334553, 18199528, 27096257)

Literature cited by the submitters: PubMed 37334553 (cited by Quest Diagnostics Nichols Institute San Juan Capistrano); PubMed 27096257 (cited by Quest Diagnostics Nichols Institute San Juan Capistrano).

NM_000038.6(APC):c.5741C>G (p.Ala1914Gly)

Gene: APC (APC regulator of Wnt signaling pathway; plus strand). Cytogenetic location: 5q22.2.
Variant type: single nucleotide variant.
Coding change: c.5741C>G on transcript NM_000038.6 (MANE Select); coding-DNA position 5741, C replaced by G.
Protein change: p.Ala1914Gly; replaces alanine 1914 with glycine.
Molecular consequence: missense variant.
Genome position (GRCh38, 1-based): chr5:112,841,335, C>G. VCF-style: chr5-112841335-C-G. GRCh37 (hg19) VCF-style: chr5-112177032-C-G.
Other names: c.5741C>G, p.Ala1914Gly (NM_001127510.3, NM_001354895.2); c.5687C>G, p.Ala1896Gly (NM_001127511.3); c.5795C>G, p.Ala1932Gly (NM_001354896.2); c.5771C>G, p.Ala1924Gly (NM_001354897.2); c.5666C>G, p.Ala1889Gly (NM_001354898.2); c.5657C>G, p.Ala1886Gly (NM_001354899.2); c.5618C>G, p.Ala1873Gly (NM_001354900.2); c.5564C>G, p.Ala1855Gly (NM_001354901.2); and 5 more; short protein forms A1896G, A1914G, A1788G, A1823G, A1754G, A1813G, A1855G, A1873G.
Identifiers: ClinVar variation 246367 (VCV000246367.27), dbSNP rs199904481, ClinGen allele CA042819.